The following is an entry in ClinVar:

ClinVar aggregate classification (germline): Uncertain significance (1 of 4 stars; one submission).

Conditions:
Tuberous sclerosis 1 (TSC1). Identifiers: Orphanet 805, MedGen C1854465, MONDO:0008612, OMIM 191100.

Submission:

Labcorp Genetics (formerly Invitae), Labcorp
Classification: Uncertain significance for Tuberous sclerosis 1. Last evaluated: 2022-12-07. Review status: criteria provided, single submitter. Criteria: Invitae Variant Classification Sherloc (09022015). Collection method: clinical testing. Allele origin: germline.
Comment: This sequence change replaces valine, which is neutral and non-polar, with methionine, which is neutral and non-polar, at codon 184 of the TSC1 protein (p.Val184Met). This variant is not present in population databases (gnomAD no frequency). This variant has not been reported in the literature in individuals affected with TSC1-related conditions. Advanced modeling of protein sequence and biophysical properties (such as structural, functional, and spatial information, amino acid conservation, physicochemical variation, residue mobility, and thermodynamic stability) performed at Invitae indicates that this missense variant is not expected to disrupt TSC1 protein function. In summary, the available evidence is currently insufficient to determine the role of this variant in disease. Therefore, it has been classified as a Variant of Uncertain Significance.

NM_000368.5(TSC1):c.550G>A (p.Val184Met)

Gene: TSC1 (TSC complex subunit 1; minus strand). Cytogenetic location: 9q34.13.
Variant type: single nucleotide variant.
Coding change: c.550G>A on transcript NM_000368.5 (MANE Select); coding-DNA position 550, G replaced by A.
Protein change: p.Val184Met; replaces valine 184 with methionine.
Molecular consequence: missense variant. On other transcripts: 5 prime UTR variant (5), non-coding transcript variant (5).
Genome position (GRCh38, 1-based): chr9:132,921,932, C>T on the plus strand (G>A on the coding strand, the complement: TSC1 is on the minus strand). VCF-style: chr9-132921932-C-T. GRCh37 (hg19) VCF-style: chr9-135797319-C-T.
Other names: c.550G>A, p.Val184Met (NM_001162426.2, NM_001406592.1, NM_001406593.1 and 16 more transcripts); c.397G>A, p.Val133Met (NM_001162427.2, NM_001406610.1, NM_001406611.1 and 2 more transcripts); c.187G>A, p.Val63Met (NM_001362177.2, NM_001406614.1, NM_001406615.1 and 10 more transcripts); c.-470G>A (NM_001406629.1); c.-544G>A (NM_001406630.1); c.-328G>A (NM_001406626.1, NM_001406627.1, NM_001406628.1); short protein forms V184M, V63M, V133M.
Identifiers: ClinVar variation 2819140 (VCV002819140.3), dbSNP rs2539015002, ClinGen allele CA375372773.